The following is an entry in ClinVar:

NM_001289125.3(IFNAR2):c.92C>G (p.Ser31Trp)

Genes: IFNAR2 (interferon alpha and beta receptor subunit 2; plus strand), IFNAR2-IL10RB (IFNAR2-IL10RB readthrough; plus strand). Cytogenetic location: 21q22.11.
Variant type: single nucleotide variant.
Coding change: c.92C>G on transcript NM_001289125.3 (MANE Select); coding-DNA position 92, C replaced by G.
Protein change: p.Ser31Trp; replaces serine 31 with tryptophan.
Molecular consequence: missense variant.
Genome position (GRCh38, 1-based): chr21:33,243,709, C>G. VCF-style: chr21-33243709-C-G. GRCh37 (hg19) VCF-style: chr21-34616014-C-G.
Other names: c.92C>G, p.Ser31Trp (NM_000874.5, NM_001289126.2, NM_001289128.2 and 4 more transcripts); short protein forms S31W.
Identifiers: ClinVar variation 1463467 (VCV001463467.5), dbSNP rs767168940, ClinGen allele CA410094795.

ClinVar aggregate classification (germline): Uncertain significance (1 of 4 stars; one submission).

gnomAD v4.1: 3 of 1,611,946 alleles (0.00019%); highest among the groups gnomAD compares: Admixed American, 0.005%; no homozygotes.

Submission:

Labcorp Genetics (formerly Invitae), Labcorp
Classification: Uncertain significance. Last evaluated: 2022-02-20. Review status: criteria provided, single submitter. Criteria: Invitae Variant Classification Sherloc (09022015). Collection method: clinical testing. Allele origin: germline.
Comment: This sequence change replaces serine, which is neutral and polar, with tryptophan, which is neutral and slightly polar, at codon 31 of the IFNAR2 protein (p.Ser31Trp). This variant is not present in population databases (gnomAD no frequency). This variant has not been reported in the literature in individuals affected with IFNAR2-related conditions. Algorithms developed to predict the effect of missense changes on protein structure and function output the following: SIFT: "Tolerated"; PolyPhen-2: "Benign"; Align-GVGD: "Class C0". The tryptophan amino acid residue is found in multiple mammalian species, which suggests that this missense change does not adversely affect protein function. In summary, the available evidence is currently insufficient to determine the role of this variant in disease. Therefore, it has been classified as a Variant of Uncertain Significance.